The following is an entry in ClinVar:

ClinVar aggregate classification (germline): Likely benign. Review status: criteria provided, multiple submitters, no conflicts (2 of 4 stars). 3 submissions from 3 submitters: Likely benign (3). Last evaluated 2025-07-21.

Conditions:
Cardiovascular phenotype. Identifiers: MedGen CN230736.
X-linked myopathy with postural muscle atrophy. Also called: FHL1-Related Emery-Dreifuss Muscular Dystrophy, X-Linked. Identifiers: Orphanet 178461, MedGen C2678055, MONDO:0010401, OMIM 300696.

Allele frequency attached by ClinVar (database versions not stated): TOPMed below 0.00001; gnomAD 0.00001; gnomAD exomes 0.00001.

Submissions (3):

Labcorp Genetics (formerly Invitae), Labcorp
Classification: Likely benign for X-linked myopathy with postural muscle atrophy. Last evaluated: 2025-07-21. Review status: criteria provided, single submitter. Criteria: Invitae Variant Classification Sherloc (09022015). Collection method: clinical testing. Allele origin: germline.

Ambry Genetics
Classification: Likely benign for Cardiovascular phenotype. Last evaluated: 2019-08-19. Review status: criteria provided, single submitter. Criteria: Ambry Variant Classification Scheme 2023. Collection method: clinical testing. Allele origin: germline.

GeneDx
Classification: Likely benign. Last evaluated: 2016-11-22. Review status: criteria provided, single submitter. Criteria: GeneDx Variant Classification (06012015). Collection method: clinical testing. Allele origin: germline. Affected: yes.
Comment: This variant is considered likely benign or benign based on one or more of the following criteria: it is a conservative change, it occurs at a poorly conserved position in the protein, it is predicted to be benign by multiple in silico algorithms, and/or has population frequency not consistent with disease.

NM_001159699.2(FHL1):c.789C>T (p.Asp263=)

Gene: FHL1 (four and a half LIM domains 1; plus strand). Cytogenetic location: Xq26.3.
Variant type: single nucleotide variant.
Coding change: c.789C>T on transcript NM_001159699.2 (MANE Select); coding-DNA position 789, C replaced by T.
Protein change: p.Asp263=; no amino-acid change (aspartic acid 263 retained).
Molecular consequence: synonymous variant. On other transcripts: missense variant (6), non-coding transcript variant (1).
Genome position (GRCh38, 1-based): chrX:136,209,923, C>T. VCF-style: chrX-136209923-C-T. GRCh37 (hg19) VCF-style: chrX-135292082-C-T.
Other names: c.741C>T, p.Asp247= (NM_001159700.2, NM_001159704.1, NM_001167819.1 and 4 more transcripts); c.828C>T, p.Asp276= (NM_001159701.2); c.941C>T, p.Thr314Ile (NM_001159702.3, NM_001369326.1, NM_001369327.2 and 1 more transcripts); c.554C>T, p.Thr185Ile (NM_001159703.2); c.602C>T, p.Thr201Ile (NM_001330659.2); short protein forms T314I, T185I, T201I.
Identifiers: ClinVar variation 391178 (VCV000391178.11), dbSNP rs1057523997, ClinGen allele CA16608753.